The following is an entry in ClinVar:

NC_012920.1(MT-ND2):m.4640C>A

Gene: MT-ND2 (mitochondrially encoded NADH dehydrogenase 2; plus strand).
Variant type: single nucleotide variant.
Genome position: chrM-4640-C-A.
Identifiers: ClinVar variation 9718 (VCV000009718.4), dbSNP rs387906426, ClinGen allele CA340941.
Genomic context (GRCh38, chrMT:4,640, plus strand): 5'-GCTAGCTTTTATTCCAGTTCTAACCAAAAAAATAAACCCTCGTTCCACAGAAGCTGCCAT[C>A]AAGTATTTCCTCACGCAAGCAACCGCATCCATAATCCTTCTAATAGCTATCCTCTTCAAC-3'

ClinVar aggregate classification (germline): Benign. Review status: criteria provided, single submitter (1 of 4 stars). 3 submissions from 3 submitters: Benign (1). 2 of the submissions do not count toward it. Last evaluated 2019-10-17.

Conditions:
Leber optic atrophy (LHON). Also called: Leber hereditary optic neuropathy; Leber's disease; Leber's optic atrophy; Optic Atrophy, Hereditary, Leber. Identifiers: Orphanet 104, MedGen C0917796, MONDO:0010788, OMIM 535000, HP:0001112.
Leigh syndrome (NULS). Also called: Leigh's syndrome; Leigh Disease; Leigh's necrotizing encephalopathy; Leigh's disease; Subacute necrotizing encephalopathy; Necrotizing encephalopathy infantile subacute of Leigh. Identifiers: Orphanet 506, MedGen C2931891, MONDO:0009723, OMIM 256000.

Submissions (3):

Wong Mito Lab, Molecular and Human Genetics, Baylor College of Medicine
Classification: Benign for Leigh syndrome. Last evaluated: 2019-10-17. Review status: criteria provided, single submitter. Criteria: Modified ACMG Guidelines (Unpublished). Collection method: clinical testing. Allele origin: germline.
Comment: The NC_012920.1:m.4640C>A (YP_003024027.1:p.Ile57Met) variant in MTND2 gene is interpretated to be a Benign variant based on the modified ACMG guidelines (unpublished). This variant meets the following evidence codes: BS1, BS2

OMIM
Classification: Pathogenic for LEBER OPTIC ATROPHY. Last evaluated: 2001-07-01. Review status: no assertion criteria provided. Collection method: literature only. Allele origin: germline. Not counted in ClinVar's aggregate classification.

GeneReviews
No classification provided. Condition: Leber optic atrophy. Review status: no classification provided. Collection method: literature only. Allele origin: maternal. Not counted in ClinVar's aggregate classification.

Literature cited by the submitters: PubMed 11479733 (cited by OMIM); PubMed 30143805 (cited by GeneReviews); PubMed 20301353 (cited by GeneReviews).